The following is an entry in ClinVar:

ClinVar aggregate classification (germline): Conflicting classifications of pathogenicity. Review status: criteria provided, conflicting classifications (1 of 4 stars). 3 submissions from 3 submitters: Uncertain significance (2); Likely benign (1). Last evaluated 2025-05-19.

Conditions:
Hereditary cancer-predisposing syndrome. Also called: Neoplastic Syndromes, Hereditary; Tumor predisposition; Hereditary neoplastic syndrome; Hereditary Cancer Syndrome. Identifiers: Orphanet 140162, MedGen C0027672, MeSH D009386, MONDO:0015356.
Hereditary breast ovarian cancer syndrome. Also called: Hereditary breast and ovarian cancer; Hereditary breast and ovarian cancer syndrome; Hereditary breast and ovarian cancer syndrome (HBOC); Hereditary breast and/or ovarian cancer syndrome; Breast and ovarian cancer; BRCA1- and BRCA2-Associated Hereditary Breast and Ovarian Cancer. Identifiers: Orphanet 145, MedGen C0677776, MeSH D061325, MONDO:0003582. Disease mechanism: loss of function.

Submissions (3):

Ambry Genetics
Classification: Likely benign for Hereditary cancer-predisposing syndrome. Last evaluated: 2025-05-19. Review status: criteria provided, single submitter. Criteria: Ambry Variant Classification Scheme 2023. Collection method: clinical testing. Allele origin: germline.

Quest Diagnostics Nichols Institute San Juan Capistrano
Classification: Uncertain significance. Last evaluated: 2023-03-17. Review status: criteria provided, single submitter. Criteria: Quest Diagnostics criteria. Collection method: clinical testing. Allele origin: unknown.
Comment: The variant has not been reported in the published literature. It also has not been reported in large, multi-ethnic general populations. Analysis of this variant using bioinformatics tools for the prediction of the effect of amino acid changes on protein structure and function yielded conflicting predictions that this variant is benign or damaging. Based on the available information, we are unable to determine the clinical significance of this variant.

Labcorp Genetics (formerly Invitae), Labcorp
Classification: Uncertain significance for Hereditary breast ovarian cancer syndrome. Last evaluated: 2018-12-16. Review status: criteria provided, single submitter. Criteria: Invitae Variant Classification Sherloc (09022015). Collection method: clinical testing. Allele origin: germline.
Comment: This sequence change replaces arginine with serine at codon 2651 of the BRCA2 protein (p.Arg2651Ser). The arginine residue is moderately conserved and there is a moderate physicochemical difference between arginine and serine. This variant is not present in population databases (ExAC no frequency). This variant has not been reported in the literature in individuals with BRCA2-related conditions. Algorithms developed to predict the effect of missense changes on protein structure and function are either unavailable or do not agree on the potential impact of this missense change (SIFT: "Tolerated"; PolyPhen-2: "Probably Damaging"; Align-GVGD: "Class C0"). In summary, the available evidence is currently insufficient to determine the role of this variant in disease. Therefore, it has been classified as a Variant of Uncertain Significance.

NM_000059.4(BRCA2):c.7953G>C (p.Arg2651Ser)

Gene: BRCA2 (BRCA2 DNA repair associated; plus strand). Cytogenetic location: 13q13.1.
Variant type: single nucleotide variant.
Coding change: c.7953G>C on transcript NM_000059.4 (MANE Select); coding-DNA position 7953, G replaced by C.
Protein change: p.Arg2651Ser; replaces arginine 2651 with serine.
Molecular consequence: missense variant.
Genome position (GRCh38, 1-based): chr13:32,362,670, G>C. VCF-style: chr13-32362670-G-C. GRCh37 (hg19) VCF-style: chr13-32936807-G-C.
Other names: short protein forms R2651S.
Identifiers: ClinVar variation 642437 (VCV000642437.15), dbSNP rs752351454, ClinGen allele CA387747251.